The following is an entry in ClinVar:

NM_020247.5(COQ8A):c.655+9G>A

Gene: COQ8A (coenzyme Q8A; plus strand). Cytogenetic location: 1q42.13.
Variant type: single nucleotide variant.
Coding change: c.655+9G>A on transcript NM_020247.5 (MANE Select); 9 bases into the intron after coding-DNA position 655, G replaced by A.
Molecular consequence: intron variant.
Genome position (GRCh38, 1-based): chr1:226,965,746, G>A. VCF-style: chr1-226965746-G-A. GRCh37 (hg19) VCF-style: chr1-227153447-G-A.
Other names: p.?.
Identifiers: ClinVar variation 214032 (VCV000214032.19), dbSNP rs146526153, ClinGen allele CA320864.

ClinVar aggregate classification (germline): Benign. Review status: criteria provided, multiple submitters, no conflicts (2 of 4 stars). 5 submissions from 5 submitters: Benign (5). Last evaluated 2026-01-27.

Conditions:
Autosomal recessive ataxia due to ubiquinone deficiency. Also called: SPINOCEREBELLAR ATAXIA, AUTOSOMAL RECESSIVE 9; Coenzyme Q10 deficiency, primary, 4. Identifiers: Orphanet 139485, MedGen C2677589, MONDO:0012784, OMIM 612016.

Allele frequency attached by ClinVar (database versions not stated): gnomAD exomes 0.00060 and 0.00152; ExAC 0.00199; 1000 Genomes Project 0.00459; 1000 Genomes Project 30x 0.00531; gnomAD 0.00611 and 0.00658; TOPMed 0.00704; ESP Exome Variant Server 0.00715.
gnomAD v4.1: 1,835 of 1,613,256 alleles (0.11%); highest among the groups gnomAD compares: African/African-American, 2.2%; 27 homozygotes.

Submissions (9):

Labcorp Genetics (formerly Invitae), Labcorp
Classification: Benign. Last evaluated: 2026-01-27. Review status: criteria provided, single submitter. Criteria: Invitae Variant Classification Sherloc (09022015). Collection method: clinical testing. Allele origin: germline.

Athena Diagnostics
Classification: Benign. Last evaluated: 2024-09-10. Review status: criteria provided, single submitter. Criteria: Athena Diagnostics Criteria. Collection method: clinical testing. Allele origin: unknown.

Mayo Clinic Laboratories, Mayo Clinic
Classification: Benign. Last evaluated: 2024-02-19. Review status: criteria provided, single submitter. Criteria: ACMG Guidelines, 2015. Collection method: clinical testing. Allele origin: germline. Observed: 11 variant alleles.

Illumina Laboratory Services, Illumina
Classification: Benign for Autosomal recessive ataxia due to ubiquinone deficiency. Last evaluated: 2018-01-13. Review status: criteria provided, single submitter. Criteria: ICSL Variant Classification Criteria 13 December 2019. Collection method: clinical testing. Allele origin: germline.
Comment: This variant was observed in the ICSL laboratory as part of a predisposition screen in an ostensibly healthy population. It had not been previously curated by ICSL or reported in the Human Gene Mutation Database (HGMD: prior to June 1st, 2018), and was therefore a candidate for classification through an automated scoring system. Utilizing variant allele frequency, disease prevalence and penetrance estimates, and inheritance mode, an automated score was calculated to assess if this variant is too frequent to cause the disease. Based on the score and internal cut-off values, a variant classified as benign is not then subjected to further curation. The score for this variant resulted in a classification of benign for this disease.

GeneDx
Classification: Benign. Last evaluated: 2014-06-09. Review status: criteria provided, single submitter. Criteria: GeneDx Variant Classification (06012015). Collection method: clinical testing. Allele origin: germline. Affected: yes.
Comment: This variant is considered likely benign or benign based on one or more of the following criteria: it is a conservative change, it occurs at a poorly conserved position in the protein, it is predicted to be benign by multiple in silico algorithms, and/or has population frequency not consistent with disease.

Dr. Peter K. Rogan Lab, Western University
No classification provided (evidence only). Condition: Familial cancer of breast. Review status: no classification provided. Collection method: in vitro. Allele origin: not applicable. Functional consequence: retained intron. Not counted in ClinVar's aggregate classification.

Dr. Peter K. Rogan Lab, Western University
No classification provided (evidence only). Condition: Familial cancer of breast. Review status: no classification provided. Collection method: in vitro. Allele origin: not applicable. Functional consequence: retained intron. Not counted in ClinVar's aggregate classification.

Dr. Peter K. Rogan Lab, Western University
No classification provided (evidence only). Condition: Cholangiocarcinoma. Review status: no classification provided. Collection method: in vitro. Allele origin: not applicable. Functional consequence: retained intron. Not counted in ClinVar's aggregate classification.

Dr. Peter K. Rogan Lab, Western University
No classification provided (evidence only). Condition: Malignant tumor of esophagus. Review status: no classification provided. Collection method: in vitro. Allele origin: not applicable. Functional consequence: retained intron. Not counted in ClinVar's aggregate classification.

Literature cited by the submitters: PubMed 29255295 (cited by Athena Diagnostics).